The following is an entry in ClinVar:

ClinVar aggregate classification (germline): Pathogenic. Review status: criteria provided, multiple submitters, no conflicts (2 of 4 stars). 2 submissions from 2 submitters: Pathogenic (2). Last evaluated 2023-09-14.

Conditions:
Familial cancer of breast. Also called: hereditary breast carcinoma; BREAST CANCER, FAMILIAL; Hereditary breast cancer. Identifiers: Orphanet 227535, MedGen C0346153, MONDO:0016419, OMIM 114480. Disease mechanism: loss of function.

Submissions (2):

Myriad Genetics, Inc.
Classification: Pathogenic for Familial cancer of breast. Last evaluated: 2023-09-14. Review status: criteria provided, single submitter. Criteria: Myriad Autosomal Dominant, Autosomal Recessive and X-Linked Classification Criteria (2023). Collection method: clinical testing. Allele origin: unknown.
Comment: This variant is considered pathogenic. This variant creates a frameshift predicted to result in premature protein truncation.

Labcorp Genetics (formerly Invitae), Labcorp
Classification: Pathogenic for Familial cancer of breast. Last evaluated: 2018-05-30. Review status: criteria provided, single submitter. Criteria: Invitae Variant Classification Sherloc (09022015). Collection method: clinical testing. Allele origin: germline.
Comment: For these reasons, this variant has been classified as Pathogenic. Loss-of-function variants in PALB2 are known to be pathogenic (PMID: 17200668, 24136930, 25099575). This variant has not been reported in the literature in individuals with PALB2-related disease. This variant is not present in population databases (ExAC no frequency). This sequence change creates a premature translational stop signal (p.Gln1044Serfs*9) in the PALB2 gene. It is expected to result in an absent or disrupted protein product.

Literature cited by the submitters: PubMed 17200668 (cited by Labcorp Genetics (formerly Invitae), Labcorp); PubMed 24136930 (cited by Labcorp Genetics (formerly Invitae), Labcorp); PubMed 25099575 (cited by Labcorp Genetics (formerly Invitae), Labcorp).

NM_024675.4(PALB2):c.3129dup (p.Gln1044fs)

Gene: PALB2 (partner and localizer of BRCA2; minus strand). Cytogenetic location: 16p12.2.
Variant type: Duplication.
Coding change: c.3129dup on transcript NM_024675.4 (MANE Select); coding-DNA position 3129, one base duplicated (T; older notation c.3129dupT).
Protein change: p.Gln1044fs; shifts the reading frame from glutamine 1044.
Molecular consequence: frameshift variant.
Genome position (GRCh38, 1-based): chr16:23,614,076, A duplicated on the plus strand (T on the coding strand, the reverse complement: PALB2 is on the minus strand). VCF-style (leftmost placement, unchanged base first): chr16-23614075-G-GA. GRCh37 (hg19) VCF-style: chr16-23625396-G-GA.
Other names: c.3129dupT (NM_024675.3); short protein forms Q1044fs.
Identifiers: ClinVar variation 572281 (VCV000572281.8), dbSNP rs1567209922, ClinGen allele CA891843573.
Genomic context (GRCh38, chr16:23,614,075, plus strand): 5'-AGGCTTTGTGACAGACTGAAGCTTGGTAAGAATCATCAATGTGCATCTTTTTCAGGAGTT[G>GA]ACCAGTTTTTAAATTCCTTAGATAACAAAAATAAATAAGCTGATCACATTCTTCCAACAA-3'